The following is an entry in ClinVar:

ClinVar aggregate classification (germline): Benign (1 of 4 stars; one submission).

Allele frequency attached by ClinVar (database versions not stated): gnomAD 0.66558 and 0.68004; TOPMed 0.66903; 1000 Genomes Project 30x 0.70315; 1000 Genomes Project 0.71366.
gnomAD v4.1: 103,564 of 152,046 alleles (68%); highest among the groups gnomAD compares: East Asian, 99%; 39,172 homozygotes.

Submission:

GeneDx
Classification: Benign. Last evaluated: 2018-06-14. Review status: criteria provided, single submitter. Criteria: GeneDx Variant Classification (06012015). Collection method: clinical testing. Allele origin: germline. Affected: yes.
Comment: This variant is considered likely benign or benign based on one or more of the following criteria: it is a conservative change, it occurs at a poorly conserved position in the protein, it is predicted to be benign by multiple in silico algorithms, and/or has population frequency not consistent with disease.

NM_001854.4(COL11A1):c.3708+267G>A

Gene: COL11A1 (collagen type XI alpha 1 chain; minus strand). Cytogenetic location: 1p21.1.
Variant type: single nucleotide variant.
Coding change: c.3708+267G>A on transcript NM_001854.4 (MANE Select); 267 bases into the intron after coding-DNA position 3708, G replaced by A.
Molecular consequence: intron variant.
Genome position (GRCh38, 1-based): chr1:102,921,251, C>T on the plus strand (G>A on the coding strand, the complement: COL11A1 is on the minus strand). VCF-style: chr1-102921251-C-T. GRCh37 (hg19) VCF-style: chr1-103386807-C-T.
Other names: c.3591+267G>A (NM_001190709.2); c.3744+267G>A (NM_080629.3); c.3360+267G>A (NM_080630.4).
Identifiers: ClinVar variation 681200 (VCV000681200.1), dbSNP rs10127706, ClinGen allele CA27682247.